The following is an entry in ClinVar:

NM_004380.3(CREBBP):c.1110A>G (p.Arg370=)

Gene: CREBBP (CREB binding lysine acetyltransferase; minus strand). Cytogenetic location: 16p13.3.
Variant type: single nucleotide variant.
Coding change: c.1110A>G on transcript NM_004380.3 (MANE Select); coding-DNA position 1110, A replaced by G.
Protein change: p.Arg370=; no amino-acid change (arginine 370 retained).
Molecular consequence: synonymous variant.
Genome position (GRCh38, 1-based): chr16:3,793,492, T>C on the plus strand (A>G on the coding strand, the complement: CREBBP is on the minus strand). VCF-style: chr16-3793492-T-C. GRCh37 (hg19) VCF-style: chr16-3843493-T-C.
Other names: c.1110A>G, p.Arg370= (NM_001079846.1).
Identifiers: ClinVar variation 5000445 (VCV005000445.1).

ClinVar aggregate classification (germline): Likely benign (1 of 4 stars; one submission).

Conditions:
CREBBP-related disorder. Also called: CREBBP-related disorders; CREBBP-related condition.

Submission:

PreventionGenetics, part of Exact Sciences
Classification: Likely benign for CREBBP-related condition. Last evaluated: 2025-07-30. Review status: criteria provided, single submitter. Criteria: ACMG Guidelines, 2015. Collection method: clinical testing. Allele origin: germline.
Comment: This variant is classified as likely benign based on ACMG/AMP sequence variant interpretation guidelines (Richards et al. 2015 PMID: 25741868, with internal and published modifications).